The following is an entry in ClinVar:

NM_001289104.2(PRKCSH):c.52A>C (p.Lys18Gln)

Genes: PRKCSH (PRKCSH beta subunit of glucosidase II; plus strand), LOC130063575 (ATAC-STARR-seq lymphoblastoid active region 14018; plus strand). Cytogenetic location: 19p13.2.
Variant type: single nucleotide variant.
Coding change: c.52A>C on transcript NM_001289104.2 (MANE Select); coding-DNA position 52, A replaced by C.
Protein change: p.Lys18Gln; replaces lysine 18 with glutamine.
Molecular consequence: missense variant.
Genome position (GRCh38, 1-based): chr19:11,436,169, A>C. VCF-style: chr19-11436169-A-C. GRCh37 (hg19) VCF-style: chr19-11546990-A-C.
Other names: c.52A>C, p.Lys18Gln (NM_001001329.3, NM_001289102.2, NM_001289103.2 and 3 more transcripts); short protein forms K18Q.
Identifiers: ClinVar variation 3643869 (VCV003643869.3).

ClinVar aggregate classification (germline): Uncertain significance. Review status: criteria provided, multiple submitters, no conflicts (2 of 4 stars). 2 submissions from 2 submitters: Uncertain significance (2). Last evaluated 2024-03-09.

Submissions (2):

Labcorp Genetics (formerly Invitae), Labcorp
Classification: Uncertain significance. Last evaluated: 2024-03-09. Review status: criteria provided, single submitter. Criteria: Invitae Variant Classification Sherloc (09022015). Collection method: clinical testing. Allele origin: germline.
Comment: This sequence change replaces lysine, which is basic and polar, with glutamine, which is neutral and polar, at codon 18 of the PRKCSH protein (p.Lys18Gln). This variant is not present in population databases (gnomAD no frequency). This variant has not been reported in the literature in individuals affected with PRKCSH-related conditions. An algorithm developed to predict the effect of missense changes on protein structure and function (PolyPhen-2) suggests that this variant is likely to be disruptive. In summary, the available evidence is currently insufficient to determine the role of this variant in disease. Therefore, it has been classified as a Variant of Uncertain Significance.

Blueprint Genetics
Classification: Uncertain significance. Last evaluated: 2023-12-27. Review status: criteria provided, single submitter. Criteria: ACMG Guidelines, 2015. Collection method: clinical testing. Allele origin: germline.